The following is an entry in ClinVar:

NM_000080.4(CHRNE):c.583G>C (p.Asp195His)

Genes: CHRNE (cholinergic receptor nicotinic epsilon subunit; minus strand), C17orf107 (chromosome 17 open reading frame 107; plus strand). Cytogenetic location: 17p13.2.
Variant type: single nucleotide variant.
Coding change: c.583G>C on transcript NM_000080.4 (MANE Select); coding-DNA position 583, G replaced by C.
Protein change: p.Asp195His; replaces aspartic acid 195 with histidine.
Molecular consequence: missense variant. On other transcripts: 3 prime UTR variant (1).
Genome position (GRCh38, 1-based): chr17:4,901,543, C>G on the plus strand (G>C on the coding strand, the complement: CHRNE is on the minus strand). VCF-style: chr17-4901543-C-G. GRCh37 (hg19) VCF-style: chr17-4804838-C-G.
Other names: c.*1010C>G (NM_001145536.2); short protein forms D195H.
Identifiers: ClinVar variation 1022543 (VCV001022543.14), dbSNP rs774425374, ClinGen allele CA8314354.

ClinVar aggregate classification (germline): Conflicting classifications of pathogenicity. Review status: criteria provided, conflicting classifications (1 of 4 stars). 4 submissions from 4 submitters: Likely pathogenic (3); Uncertain significance (1). Last evaluated 2025-12-01.

Conditions:
Congenital myasthenic syndrome 4A. Also called: Myasthenic syndrome, congenital, 4a, slow-channel; CONGENITAL MYASTHENIC SYNDROME TYPE Ia1; MYASTHENIC SYNDROME, CONGENITAL, 4A, SLOW-CHANNEL, AUTOSOMAL RECESSIVE. Identifiers: Orphanet 590, MedGen C4225413, MONDO:0011600, OMIM 605809.

Allele frequency attached by ClinVar (database versions not stated): TOPMed below 0.00001.

Submissions (4):

CeGaT Center for Human Genetics Tuebingen
Classification: Likely pathogenic. Last evaluated: 2025-12-01. Review status: criteria provided, single submitter. Criteria: CeGaT Center For Human Genetics Tuebingen Variant Classification Criteria Version 2. Collection method: clinical testing. Allele origin: germline. Affected: yes. Observed: 1 variant allele.
Comment: CHRNE: PM1, PM2, PM5

Labcorp Genetics (formerly Invitae), Labcorp
Classification: Likely pathogenic for Congenital myasthenic syndrome 4A. Last evaluated: 2025-08-25. Review status: criteria provided, single submitter. Criteria: Invitae Variant Classification Sherloc (09022015). Collection method: clinical testing. Allele origin: germline.
Comment: This sequence change replaces aspartic acid, which is acidic and polar, with histidine, which is basic and polar, at codon 195 of the CHRNE protein (p.Asp195His). This variant is present in population databases (rs774425374, gnomAD 0.004%). This missense change has been observed in individuals with autosomal recessive congenital myasthenic syndrome (internal data). ClinVar contains an entry for this variant (Variation ID: 1022543). Invitae Evidence Modeling of protein sequence and biophysical properties (such as structural, functional, and spatial information, amino acid conservation, physicochemical variation, residue mobility, and thermodynamic stability) has been performed for this missense variant. However, the output from this modeling did not meet the statistical confidence thresholds required to predict the impact of this variant on CHRNE protein function. This variant disrupts the p.Asp195 amino acid residue in CHRNE. Other variant(s) that disrupt this residue have been determined to be pathogenic (PMID: 12356851). This suggests that this residue is clinically significant, and that variants that disrupt this residue are likely to be disease-causing. In summary, the currently available evidence indicates that the variant is pathogenic, but additional data are needed to prove that conclusively. Therefore, this variant has been classified as Likely Pathogenic.

Dasa
Classification: Likely pathogenic. Last evaluated: 2025-05-30. Review status: criteria provided, single submitter. Criteria: DASA Assertion Criteria. Collection method: clinical testing. Allele origin: germline.
Comment: NM_000080.4(CHRNE):c.583G>C (p.Asp195His) is a missense variant that results in the substitution of aspartic acid with histidine. The affected residue or protein region has prior evidence supporting clinical relevance. This variant has been reported in individuals with CHRNE-related disorders (PMID: 35628876). Also, this variant is rare in population databases. Computational evidence supports a deleterious effect. Based on the currently available evidence, this variant is classified as likely pathogenic.

Women's Health and Genetics/Laboratory Corporation of America, LabCorp
Classification: Uncertain significance. Last evaluated: 2023-07-20. Review status: criteria provided, single submitter. Criteria: LabCorp Variant Classification Summary - May 2015. Collection method: clinical testing. Allele origin: germline.
Comment: Variant summary: CHRNE c.583G>C (p.Asp195His) results in a non-conservative amino acid change located in the Neurotransmitter-gated ion-channel ligand-binding domain (IPR006202) of the encoded protein sequence. Four of five in-silico tools predict a damaging effect of the variant on protein function. The variant was absent in 250446 control chromosomes. c.583G>C has been reported in the literature in a homozygous individual affected with Congenital Myasthenic Syndrome (Barbosa-Gouveia_2022). To our knowledge, no experimental evidence demonstrating an impact on protein function has been reported. The following publication has been ascertained in the context of this evaluation (PMID: 35628876). One submitter has cited clinical-significance assessments for this variant to ClinVar after 2014 and has classified the variant as likely pathogenic. Based on the evidence outlined above, the variant was classified as VUS-possibly pathogenic.

Literature cited by the submitters: PubMed 12356851 (cited by Labcorp Genetics (formerly Invitae), Labcorp); PubMed 35628876 (cited by Dasa and Women's Health and Genetics/Laboratory Corporation of America, LabCorp).